The following is an entry in ClinVar:

NM_001077418.3(TMEM231):c.625G>A (p.Asp209Asn)

Gene: TMEM231 (transmembrane protein 231; minus strand). Cytogenetic location: 16q23.1.
Variant type: single nucleotide variant.
Coding change: c.625G>A on transcript NM_001077418.3 (MANE Select); coding-DNA position 625, G replaced by A.
Protein change: p.Asp209Asn; replaces aspartic acid 209 with asparagine.
Molecular consequence: missense variant. On other transcripts: non-coding transcript variant (1).
Genome position (GRCh38, 1-based): chr16:75,542,641, C>T on the plus strand (G>A on the coding strand, the complement: TMEM231 is on the minus strand). VCF-style: chr16-75542641-C-T. GRCh37 (hg19) VCF-style: chr16-75576539-C-T.
Other names: c.784G>A, p.Asp262Asn (NM_001077416.2); c.712G>A (NM_001077416.1); short protein forms D209N, D262N.
Identifiers: ClinVar variation 39822 (VCV000039822.22), dbSNP rs200799769, ClinGen allele CA130593.

ClinVar aggregate classification (germline): Pathogenic/Likely pathogenic. Review status: criteria provided, multiple submitters, no conflicts (2 of 4 stars). 10 submissions from 10 submitters: Pathogenic (6); Likely pathogenic (2). 2 of the submissions do not count toward it. Last evaluated 2026-08-25.

Conditions:
TMEM231-related disorder. Also called: TMEM231-related condition.
Joubert syndrome and related disorders. Identifiers: Orphanet 140874, MedGen C5679612, MONDO:0015369.
Meckel syndrome, type 11 (MKS11). Identifiers: Orphanet 564, MedGen C3809352, MONDO:0014164, OMIM 615397.
Joubert syndrome 20 (JBTS20). Identifiers: Orphanet 475, MedGen C3554235, MONDO:0013994, OMIM 614970.
Inborn genetic diseases. Identifiers: MedGen C0950123, MeSH D030342.

Allele frequency attached by ClinVar (database versions not stated): gnomAD exomes 0.00004 and 0.00007; ESP Exome Variant Server 0.00008; ExAC 0.00008; gnomAD 0.00004; TOPMed 0.00004.
gnomAD v4.1: 69 of 1,613,714 alleles (0.0043%); highest among the groups gnomAD compares: Non-Finnish European, 0.0055%; no homozygotes.

Submissions (10):

Ambry Genetics
Classification: Pathogenic for Inborn genetic diseases. Last evaluated: 2026-08-25. Review status: criteria provided, single submitter. Criteria: Ambry Variant Classification Scheme 2023. Collection method: clinical testing. Allele origin: germline.
Comment: The c.712G>A (p.D238N) alteration is located in exon 4 (coding exon 4) of the TMEM231 gene. This alteration results from a G to A substitution at nucleotide position 712, causing the aspartic acid (D) at amino acid position 238 to be replaced by an asparagine (N). Based on data from gnomAD, the A allele has an overall frequency of 0.007% (20/280632) total alleles studied. This variant has been identified in the homozygous state and/or in conjunction with other TMEM231 variant(s) in individual(s) with features consistent with TMEM231-related ciliopathy and segregated with disease in at least one family (Maglic, 2016; Srour, 2012; Brooks, 2018). This amino acid position is well conserved in available vertebrate species. This alteration is predicted to be tolerated by in silico analysis. Based on the available evidence, this alteration is classified as pathogenic.

Labcorp Genetics (formerly Invitae), Labcorp
Classification: Pathogenic for Joubert syndrome 20; Meckel syndrome, type 11. Last evaluated: 2026-01-11. Review status: criteria provided, single submitter. Criteria: Invitae Variant Classification Sherloc (09022015). Collection method: clinical testing. Allele origin: germline.
Comment: This sequence change replaces aspartic acid, which is acidic and polar, with asparagine, which is neutral and polar, at codon 262 of the TMEM231 protein (p.Asp262Asn). This variant is present in population databases (rs200799769, gnomAD 0.01%). This missense change has been observed in individual(s) with Joubert syndrome (PMID: 23012439, 27449316). In at least one individual the data is consistent with being in trans (on the opposite chromosome) from a pathogenic variant. It has also been observed to segregate with disease in related individuals. This variant is also known as Asp209Asn. ClinVar contains an entry for this variant (Variation ID: 39822). Experimental studies and prediction algorithms are not available or were not evaluated, and the functional significance of this variant is currently unknown. For these reasons, this variant has been classified as Pathogenic.

Clinical Genetics Laboratory, University Hospital Schleswig-Holstein
Classification: Likely pathogenic for Joubert syndrome 20. Last evaluated: 2025-11-13. Review status: criteria provided, single submitter. Criteria: ACMG Guidelines, 2015. Collection method: clinical testing. Allele origin: paternal. Affected: yes. Observed: 1 compound heterozygote.
Comment: ACMG criteria applied: PM2, PS4, BP4, PM3

Blueprint Genetics
Classification: Pathogenic for TMEM231-related disorders. Last evaluated: 2024-07-18. Review status: criteria provided, single submitter. Criteria: ACMG Guidelines, 2015. Collection method: clinical testing. Allele origin: germline. Affected: yes. Observed: 5 variant alleles.

Fulgent Genetics
Classification: Pathogenic for Joubert syndrome 20; Meckel syndrome, type 11. Last evaluated: 2024-04-03. Review status: criteria provided, single submitter. Criteria: ACMG Guidelines, 2015. Collection method: clinical testing. Allele origin: germline.

GeneDx
Classification: Likely pathogenic. Last evaluated: 2024-02-08. Review status: criteria provided, single submitter. Criteria: GeneDx Variant Classification Process June 2021. Collection method: clinical testing. Allele origin: germline. Affected: yes.
Comment: Not observed at significant frequency in large population cohorts (gnomAD); In silico analysis supports that this missense variant does not alter protein structure/function; This variant is associated with the following publications: (PMID: 23012439, 27449316, 26477546)

Women's Health and Genetics/Laboratory Corporation of America, LabCorp
Classification: Pathogenic for Joubert syndrome and related disorders. Last evaluated: 2023-02-01. Review status: criteria provided, single submitter. Criteria: LabCorp Variant Classification Summary - May 2015. Collection method: clinical testing. Allele origin: germline.
Comment: Variant summary: TMEM231 c.784G>A (p.Asp262Asn) results in a conservative amino acid change in the encoded protein sequence. Three of five in-silico tools predict a benign effect of the variant on protein function. The variant allele was found at a frequency of 6.8e-05 in 249258 control chromosomes. This frequency is not significantly higher than expected for a pathogenic variant in TMEM231 causing Joubert Syndrome And Related Disorders (6.8e-05 vs 0.0004), allowing no conclusion about variant significance. c.784G>A has been reported in the literature in multiple individuals affected with Joubert Syndrome And Related Disorders (e.g., Srour_2012, Maglic_2016). These data indicate that the variant is very likely to be associated with disease. To our knowledge, no experimental evidence demonstrating an impact on protein function has been reported. Three clinical diagnostic laboratories have submitted clinical-significance assessments for this variant to ClinVar after 2014, and all laboratories classified the variant as pathogenic (n = 2) or likely pathogenic (n = 1). Based on the evidence outlined above, the variant was classified as pathogenic.

Eurofins Ntd Llc (ga)
Classification: Pathogenic. Last evaluated: 2017-07-20. Review status: criteria provided, single submitter. Criteria: EGL Classification Definitions 2015. Collection method: clinical testing. Allele origin: germline. Observed: 2 variant alleles, 2 heterozygotes.

PreventionGenetics, part of Exact Sciences
Classification: Pathogenic for TMEM231-related condition. Last evaluated: 2024-03-19. Review status: no assertion criteria provided. Collection method: clinical testing. Allele origin: germline. Not counted in ClinVar's aggregate classification.
Comment: The TMEM231 c.784G>A variant is predicted to result in the amino acid substitution p.Asp262Asn. This variant can also be referred to as (NM_001077418.1:c.625G>A (p.Asp209Asn). This variant, along with a protein truncating variant has been previously identified in three individuals with Joubert syndrome (JS) from two different families (Srour et al. 2012. PubMed ID: 23012439). Also, this variant along with an exonic deletion has been reported in three affected individuals with JS (Maglic et al. 2016. PubMed ID: 27449316). This variant is reported in 0.012% of alleles in individuals of European (Non-Finnish) descent in gnomAD. This variant is interpreted as pathogenic.

OMIM
Classification: Pathogenic for JOUBERT SYNDROME 20. Last evaluated: 2012-10-01. Review status: no assertion criteria provided. Collection method: literature only. Allele origin: germline. Not counted in ClinVar's aggregate classification.

Literature cited by the submitters: PubMed 23012439 (cited by 4 submitters); PubMed 27449316 (cited by 3 submitters); PubMed 30055837 (cited by Ambry Genetics).